The following is an entry in ClinVar:

NM_020822.3(KCNT1):c.3662A>G (p.Lys1221Arg)

Gene: KCNT1 (potassium sodium-activated channel subfamily T member 1; plus strand). Cytogenetic location: 9q34.3.
Variant type: single nucleotide variant.
Coding change: c.3662A>G on transcript NM_020822.3 (MANE Select); coding-DNA position 3662, A replaced by G.
Protein change: p.Lys1221Arg; replaces lysine 1221 with arginine.
Molecular consequence: missense variant.
Genome position (GRCh38, 1-based): chr9:135,792,115, A>G. VCF-style: chr9-135792115-A-G. GRCh37 (hg19) VCF-style: chr9-138683961-A-G.
Other names: c.3590A>G, p.Lys1197Arg (NM_001272003.2); short protein forms K1221R, K1197R.
Identifiers: ClinVar variation 1377780 (VCV001377780.8), dbSNP rs1834585051, ClinGen allele CA375494476.
Genomic context (GRCh38, chr9:135,792,115, plus strand): 5'-CCGACCCCCTGGCTCACGTGGCCAGCAGCTCCCAGAGCCGGAAGAGCAGCTGCAGCCACA[A>G]GCTGTCGTCCTGCAACCCCGAGACTCGCGACGAGACACAGCTCTGAGCCAGCCCTGCACG-3'
Protein context (NP_065873.2, residues 1211-1231): SQSRKSSCSH[Lys1221Arg]LSSCNPETRD

ClinVar aggregate classification (germline): Uncertain significance (1 of 4 stars; one submission).

Conditions:
Autosomal dominant nocturnal frontal lobe epilepsy 5. Also called: CILIARY DYSKINESIA, PRIMARY, 28, WITH SITUS INVERSUS; KCNT1-Related Epilepsy; CILIARY DYSKINESIA, PRIMARY, 28, WITHOUT SITUS INVERSUS; Epilepsy, nocturnal frontal lobe, 5. Identifiers: Orphanet 98784, MedGen C3554306, MONDO:0014002, OMIM 615005.
Developmental and epileptic encephalopathy, 14 (DEE14). Also called: Early infantile epileptic encephalopathy 14. Identifiers: Orphanet 293181, MedGen C3554195, MONDO:0013989, OMIM 614959.

Allele frequency attached by ClinVar (database versions not stated): gnomAD exomes below 0.00001; TOPMed below 0.00001.
gnomAD v4.1: 2 of 1,605,858 alleles (0.00012%); highest among the groups gnomAD compares: African/African-American, 0.0013%; no homozygotes.

Submission:

Labcorp Genetics (formerly Invitae), Labcorp
Classification: Uncertain significance for Autosomal dominant nocturnal frontal lobe epilepsy 5; Developmental and epileptic encephalopathy, 14. Last evaluated: 2025-12-30. Review status: criteria provided, single submitter. Criteria: Invitae Variant Classification Sherloc (09022015). Collection method: clinical testing. Allele origin: germline.
Comment: This sequence change replaces lysine, which is basic and polar, with arginine, which is basic and polar, at codon 1221 of the KCNT1 protein (p.Lys1221Arg). This variant is not present in population databases (gnomAD no frequency). This variant has not been reported in the literature in individuals affected with KCNT1-related conditions. ClinVar contains an entry for this variant (Variation ID: 1377780). Invitae Evidence Modeling of protein sequence and biophysical properties (such as structural, functional, and spatial information, amino acid conservation, physicochemical variation, residue mobility, and thermodynamic stability) indicates that this missense variant is not expected to disrupt KCNT1 protein function with a negative predictive value of 95%. In summary, the available evidence is currently insufficient to determine the role of this variant in disease. Therefore, it has been classified as a Variant of Uncertain Significance.